The following is an entry in ClinVar:

ClinVar aggregate classification (germline): Uncertain significance (1 of 4 stars; one submission).

Submission:

Laboratory for Molecular Medicine, Mass General Brigham Personalized Medicine
Classification: Uncertain significance. Last evaluated: 2013-10-31. Review status: criteria provided, single submitter. Criteria: LMM Criteria. Collection method: clinical testing. Allele origin: germline. Observed: 1 variant allele.
Comment: The 5534+7_5534+8ins25 variant in PTPRD has not been previously identified in individuals with familial angiolipomatosis. Data from large population studies is insufficient to assess the frequency of this variant. This variant results in an insertion of 25 bases into intron 44 and computational tools suggest the creation of an alternative 5' splice site downstream of the normal exon-intron boundary. However, this variant does not cause a change at the conserved (+1/+2) positions in the splice site consensus sequence and splice prediction tools do not suggest an impact to the canonical (normal) splice site. Therefore, it is not possible to predict whether this insertion will result in abnormal splicing without functional analysis. In summary, without additional studies, the clinical significance of this variant cannot be determined with certainty.

Literature cited by the submitters: PubMed 23800680; PubMed 19074898; PubMed 19478061.

NM_002839.4(PTPRD):c.5534+7_5534+8insGGTAAGTTAGTTACAGTTCAAGAAG

Gene: PTPRD (protein tyrosine phosphatase receptor type D; minus strand). Cytogenetic location: 9p24.1.
Variant type: Insertion.
Coding change: c.5534+7_5534+8insGGTAAGTTAGTTACAGTTCAAGAAG on transcript NM_002839.4 (MANE Select); bases 7 to 8 of the intron after coding-DNA position 5534, GGTAAGTTAGTTACAGTTCAAGAAG inserted.
Molecular consequence: splice donor variant.
Genome position: GRCh38 VCF-style: chr9-8331574-A-AAACTTACCCTTCTTGAACTGTAACT. GRCh37 (hg19) VCF-style: chr9-8331574-A-AAACTTACCCTTCTTGAACTGTAACT.
Other names: c.4313+7_4313+8insGGTAAGTTAGTTACAGTTCAAGAAG (NM_001171025.2, NM_130391.4); c.4325+7_4325+8insGGTAAGTTAGTTACAGTTCAAGAAG (NM_001377946.1); c.5549+7_5549+8insGGTAAGTTAGTTACAGTTCAAGAAG (NM_001378058.1); c.5594+7_5594+8insGGTAAGTTAGTTACAGTTCAAGAAG (NM_001377958.1); c.4295+7_4295+8insGGTAAGTTAGTTACAGTTCAAGAAG (NM_001377947.1); c.4304+7_4304+8insGGTAAGTTAGTTACAGTTCAAGAAG (NM_001040712.2); c.4286+7_4286+8insGGTAAGTTAGTTACAGTTCAAGAAG (NM_130393.3); c.4316+7_4316+8insGGTAAGTTAGTTACAGTTCAAGAAG (NM_130392.3).
Identifiers: ClinVar variation 179398 (VCV000179398.4), dbSNP rs3215098, ClinGen allele CA184344.
Genomic context (GRCh38, chr9:8,331,574, plus strand): 5'-AAAAGTGTATACAGACAATGAAGAAACACCACCACTTATCACTGCTTTATTCACAAATGG[A>AAACTTACCCTTCTTGAACTGTAACT]AACTTACCTGCAATGGACTGAAATGGGTCCATCTTGGCCAAACTGTTCTTTTGTTTTATG-3'